The following is an entry in ClinVar:

ClinVar aggregate classification (germline): Uncertain significance (1 of 4 stars; one submission).

Conditions:
Tuberous sclerosis 1 (TSC1). Identifiers: Orphanet 805, MedGen C1854465, MONDO:0008612, OMIM 191100.

Submission:

Labcorp Genetics (formerly Invitae), Labcorp
Classification: Uncertain significance for Tuberous sclerosis 1. Last evaluated: 2023-11-08. Review status: criteria provided, single submitter. Criteria: Invitae Variant Classification Sherloc (09022015). Collection method: clinical testing. Allele origin: germline.
Comment: This sequence change replaces lysine, which is basic and polar, with glutamic acid, which is acidic and polar, at codon 221 of the TSC1 protein (p.Lys221Glu). This variant is not present in population databases (gnomAD no frequency). This variant has not been reported in the literature in individuals affected with TSC1-related conditions. An algorithm developed to predict the effect of missense changes on protein structure and function (PolyPhen-2) suggests that this variant is likely to be disruptive. In summary, the available evidence is currently insufficient to determine the role of this variant in disease. Therefore, it has been classified as a Variant of Uncertain Significance.

NM_000368.5(TSC1):c.661A>G (p.Lys221Glu)

Gene: TSC1 (TSC complex subunit 1; minus strand). Cytogenetic location: 9q34.13.
Variant type: single nucleotide variant.
Coding change: c.661A>G on transcript NM_000368.5 (MANE Select); coding-DNA position 661, A replaced by G.
Protein change: p.Lys221Glu; replaces lysine 221 with glutamic acid.
Molecular consequence: missense variant. On other transcripts: 5 prime UTR variant (5), non-coding transcript variant (5).
Genome position (GRCh38, 1-based): chr9:132,921,821, T>C on the plus strand (A>G on the coding strand, the complement: TSC1 is on the minus strand). VCF-style: chr9-132921821-T-C. GRCh37 (hg19) VCF-style: chr9-135797208-T-C.
Other names: c.298A>G, p.Lys100Glu (NM_001406619.1, NM_001406620.1, NM_001406621.1 and 10 more transcripts); c.-217A>G (NM_001406626.1, NM_001406627.1, NM_001406628.1); c.661A>G, p.Lys221Glu (NM_001406601.1, NM_001406602.1, NM_001406603.1 and 16 more transcripts); c.508A>G, p.Lys170Glu (NM_001406610.1, NM_001406611.1, NM_001406612.1 and 2 more transcripts); c.-359A>G (NM_001406629.1); c.-433A>G (NM_001406630.1); short protein forms K170E, K100E, K221E.
Identifiers: ClinVar variation 3015945 (VCV003015945.3), dbSNP rs1564497826, ClinGen allele CA375371620.